The following is an entry in ClinVar:

ClinVar aggregate classification (germline): Pathogenic (1 of 4 stars; one submission).

Submission:

Labcorp Genetics (formerly Invitae), Labcorp
Classification: Pathogenic. Last evaluated: 2025-11-16. Review status: criteria provided, single submitter. Criteria: Invitae Variant Classification Sherloc (09022015). Collection method: clinical testing. Allele origin: germline.
Comment: This sequence change replaces asparagine, which is neutral and polar, with aspartic acid, which is acidic and polar, at codon 176 of the KRT5 protein (p.Asn176Asp). This variant is not present in population databases (gnomAD no frequency). This missense change has been observed in individual(s) with autosomal dominant epidermolysis bullosa (internal data). In at least one individual the variant was observed to be de novo. Invitae Evidence Modeling of protein sequence and biophysical properties (such as structural, functional, and spatial information, amino acid conservation, physicochemical variation, residue mobility, and thermodynamic stability) has been performed for this missense variant. However, the output from this modeling did not meet the statistical confidence thresholds required to predict the impact of this variant on KRT5 protein function. This variant disrupts the p.Asn176 amino acid residue in KRT5. Other variant(s) that disrupt this residue have been determined to be pathogenic (PMID: 9036937, 32351751). This suggests that this residue is clinically significant, and that variants that disrupt this residue are likely to be disease-causing. For these reasons, this variant has been classified as Pathogenic.

Literature cited by the submitters: PubMed 9036937; PubMed 32351751.

NM_000424.4(KRT5):c.526A>G (p.Asn176Asp)

Gene: KRT5 (keratin 5; minus strand). Cytogenetic location: 12q13.13.
Variant type: single nucleotide variant.
Coding change: c.526A>G on transcript NM_000424.4 (MANE Select); coding-DNA position 526, A replaced by G.
Protein change: p.Asn176Asp; replaces asparagine 176 with aspartic acid.
Molecular consequence: missense variant.
Genome position (GRCh38, 1-based): chr12:52,519,771, T>C on the plus strand (A>G on the coding strand, the complement: KRT5 is on the minus strand). VCF-style: chr12-52519771-T-C. GRCh37 (hg19) VCF-style: chr12-52913555-T-C.
Other names: short protein forms N176D.
Identifiers: ClinVar variation 4801301 (VCV004801301.1).